The following is an entry in ClinVar:

NM_000245.4(MET):c.2265-55G>C

Gene: MET (MET proto-oncogene, receptor tyrosine kinase; plus strand). Cytogenetic location: 7q31.2.
Variant type: single nucleotide variant.
Coding change: c.2265-55G>C on transcript NM_000245.4 (MANE Select); 55 bases into the intron before coding-DNA position 2265, G replaced by C.
Molecular consequence: intron variant. On other transcripts: splice acceptor variant (1).
Genome position (GRCh38, 1-based): chr7:116,759,336, G>C. VCF-style: chr7-116759336-G-C. GRCh37 (hg19) VCF-style: chr7-116399390-G-C.
Other names: c.2265-1G>C (NM_001127500.3); c.975-55G>C (NM_001324402.2); c.2265-55G>C (NM_001324401.3).
Identifiers: ClinVar variation 2809880 (VCV002809880.3), dbSNP rs2116936783, ClinGen allele CA368981466.

ClinVar aggregate classification (germline): Uncertain significance (1 of 4 stars; one submission).

Conditions:
Renal cell carcinoma. Identifiers: Orphanet 217071, MedGen C0007134, MeSH D002292, MONDO:0005086, HP:0005584.

Submission:

Labcorp Genetics (formerly Invitae), Labcorp
Classification: Uncertain significance for Renal cell carcinoma. Last evaluated: 2023-06-28. Review status: criteria provided, single submitter. Criteria: Invitae Variant Classification Sherloc (09022015). Collection method: clinical testing. Allele origin: germline.
Comment: This variant is not present in population databases (gnomAD no frequency). In summary, the available evidence is currently insufficient to determine the role of this variant in disease. Therefore, it has been classified as a Variant of Uncertain Significance. Algorithms developed to predict the effect of sequence changes on RNA splicing suggest that this variant may disrupt the consensus splice site. This variant has not been reported in the literature in individuals affected with MET-related conditions. This sequence change affects an acceptor splice site in intron 9 of the MET gene. It is expected to disrupt RNA splicing. Variants that disrupt the donor or acceptor splice site typically lead to a loss of protein function (PMID: 16199547), however the current clinical and genetic evidence is not sufficient to establish whether loss-of-function variants in MET cause disease.

Literature cited by the submitters: PubMed 16199547.